The following is an entry in ClinVar:

NM_032608.7(MYO18B):c.3329C>A (p.Ser1110Ter)

Gene: MYO18B (myosin XVIIIB; plus strand). Cytogenetic location: 22q12.1.
Variant type: single nucleotide variant.
Coding change: c.3329C>A on transcript NM_032608.7 (MANE Select); coding-DNA position 3329, C replaced by A.
Protein change: p.Ser1110Ter; replaces serine 1110 with a stop codon.
Molecular consequence: nonsense.
Genome position (GRCh38, 1-based): chr22:25,843,855, C>A. VCF-style: chr22-25843855-C-A. GRCh37 (hg19) VCF-style: chr22-26239822-C-A.
Other names: c.3332C>A, p.Ser1111Ter (NM_001318245.2); short protein forms S1110*, S1111*.
Identifiers: ClinVar variation 1479326 (VCV001479326.6), dbSNP rs775172877, ClinGen allele CA410998043.

ClinVar aggregate classification (germline): Pathogenic (1 of 4 stars; one submission).

Submission:

Labcorp Genetics (formerly Invitae), Labcorp
Classification: Pathogenic. Last evaluated: 2022-09-19. Review status: criteria provided, single submitter. Criteria: Invitae Variant Classification Sherloc (09022015). Collection method: clinical testing. Allele origin: germline.
Comment: For these reasons, this variant has been classified as Pathogenic. ClinVar contains an entry for this variant (Variation ID: 1479326). This variant has not been reported in the literature in individuals affected with MYO18B-related conditions. This variant is not present in population databases (gnomAD no frequency). This sequence change creates a premature translational stop signal (p.Ser1110*) in the MYO18B gene. It is expected to result in an absent or disrupted protein product. Loss-of-function variants in MYO18B are known to be pathogenic (PMID: 25748484, 32184166, 32637634).

Literature cited by the submitters: PubMed 25748484; PubMed 32184166; PubMed 32637634.